The following is an entry in ClinVar:

NM_138383.3(MTSS2):c.2021T>C (p.Leu674Pro)

Gene: MTSS2 (MTSS I-BAR domain containing 2; minus strand). Cytogenetic location: 16q22.1.
Variant type: single nucleotide variant.
Coding change: c.2021T>C on transcript NM_138383.3 (MANE Select); coding-DNA position 2021, T replaced by C.
Protein change: p.Leu674Pro; replaces leucine 674 with proline.
Molecular consequence: missense variant.
Genome position (GRCh38, 1-based): chr16:70,663,900, A>G on the plus strand (T>C on the coding strand, the complement: MTSS2 is on the minus strand). VCF-style: chr16-70663900-A-G. GRCh37 (hg19) VCF-style: chr16-70697803-A-G.
Other names: short protein forms L674P.
Identifiers: ClinVar variation 5008741 (VCV005008741.1).
Genomic context (GRCh38, chr16:70,663,900, plus strand): 5'-GGGAACTGGCCCTCACCCAGTGCGTGGGCACCCGCCACCAGCTCCCCCAGCTTCTCCACC[A>G]GGCTGTGCCGGTTGGCCGCCAGCTGCTGCTGCTCGTCCTCGGCCCCTGCCCCGGGGTACC-3'
Protein context (NP_612392.1, residues 664-684): QQQLAANRHS[Leu674Pro]VEKLGELVAG

ClinVar aggregate classification (germline): Uncertain significance (1 of 4 stars; one submission).

Submission:

GeneDx
Classification: Uncertain significance. Last evaluated: 2026-03-06. Review status: criteria provided, single submitter. Criteria: GeneDx Variant Classification Process June 2021. Collection method: clinical testing. Allele origin: germline.
Comment: Not observed at significant frequency in large population cohorts (gnomAD); In silico analysis suggests that this missense variant does not alter protein structure/function; Has not been previously published as pathogenic or benign to our knowledge